The following is an entry in ClinVar:

ClinVar aggregate classification (germline): Pathogenic/Likely pathogenic. Review status: criteria provided, multiple submitters, no conflicts (2 of 4 stars). 9 submissions from 8 submitters: Pathogenic (7); Likely pathogenic (1). 1 of the submissions does not count toward it. Last evaluated 2026-01-20.

Conditions:
Parkinson disease, late-onset (PD). Also called: PARKINSON DISEASE, LATE-ONSET, SUSCEPTIBILITY TO; Hereditary late onset Parkinson disease; Susceptibility to Parkinson's Disease. Identifiers: Orphanet 411602, MedGen C3160718, MONDO:0008199, OMIM 168600.
Gaucher disease type II (GD2). Also called: Acute neuronopathic Gaucher's disease; Type 2 Gaucher disease (Acute; Infantile); GAUCHER DISEASE, ACUTE NEURONOPATHIC TYPE; GD II. Identifiers: Orphanet 77260, MedGen C0268250, MONDO:0009266, OMIM 230900.
Gaucher disease type I (GD1). Also called: Gaucher's disease, type 1; Type 1 Gaucher Disease; GAUCHER DISEASE, NONCEREBRAL JUVENILE; GBA DEFICIENCY; GD I; GLUCOCEREBROSIDASE DEFICIENCY. Identifiers: Orphanet 355, Orphanet 77259, MedGen C1961835, MONDO:0009265, OMIM 230800.
Gaucher disease. Also called: Acute cerebral Gaucher disease; Cerebroside lipidosis syndrome; Gaucher splenomegaly; Sphingolipidosis 1; Glucocerebrosidosis; Glucosylceramidase deficiency. Identifiers: Orphanet 355, MedGen C0017205, MONDO:0018150.

Allele frequency attached by ClinVar (database versions not stated): gnomAD exomes 0.00001; ExAC 0.00004.

Submissions (9):

Natera, Inc.
Classification: Pathogenic for Gaucher disease. Last evaluated: 2026-01-20. Review status: criteria provided, single submitter. Criteria: Natera Variant Classification Schema (03/2026). Collection method: clinical testing. Allele origin: germline.
Comment: The c.1603C>T variant in GBA1 is a missense variant predicted to cause substitution of arginine to cysteine at amino acid 535. This variant is rare in the general population with a frequency below the threshold expected for the associated phenotype(s). This variant has been observed in one or more individuals affected with the associated recessive disease, as either homozygous or compound heterozygous with a second variant (PMID: 34649574, 30764785). Given the available evidence, this variant is classified as Pathogenic.

Revvity Omics, Revvity
Classification: Pathogenic. Last evaluated: 2024-12-16. Review status: criteria provided, single submitter. Criteria: ACMG Guidelines, 2015. Collection method: clinical testing. Allele origin: germline.

Genetics and Genomic Medicine Centre, NeuroGen Healthcare, NeuroGen Healthcare
Classification: Likely pathogenic for Gaucher disease type I. Last evaluated: 2024-10-17. Review status: criteria provided, single submitter. Criteria: ACMG Guidelines, 2015. Collection method: clinical testing. Allele origin: unknown. Affected: yes.

Neuberg Centre For Genomic Medicine, NCGM
Classification: Pathogenic for Parkinson disease, late-onset. Last evaluated: 2023-05-20. Review status: criteria provided, single submitter. Criteria: ACMG Guidelines, 2015. Collection method: clinical testing. Allele origin: germline. Inheritance: Autosomal dominant inheritance. Affected: yes.
Comment: The observed missense variant c.1603C>T(p.Arg535Cys) in GBA gene has been reported previously in homozygous, compound heterozygous and heterozygous state in individuals with Gaucher disease and/or Parkinson's disease (Dimitriou E, et al., 2020. Sheth J, et al., 2019, Ankleshwaria C, et al., 2014). This variant disrupts the p.Arg535 amino acid residue in GBA and the other variant(s) that disrupt this residue have been determined to be pathogenic (Yang AC, et al., 2017). The c.1603C>T variant has 0.001% allele frequency in gnomAD Exomes. This variant has been reported to the ClinVar database as Pathogenic / Likely Pathogenic.The amino acid Arginine at position 535 is changed to a Cystiene changing protein sequence and it might alter its composition and physico-chemical properties. Multiple lines of computational evidence (Polyphen, SIFT and MutationTaster) predict a damaging effect on protein structure and function for this variant. The amino acid change p.Arg535Cys in GBA is predicted as conserved by GERP++ and PhyloP across 100 vertebrates. For these reasons, this variant has been classified as Pathogenic.

Labcorp Genetics (formerly Invitae), Labcorp
Classification: Pathogenic. Last evaluated: 2022-09-19. Review status: criteria provided, single submitter. Criteria: Invitae Variant Classification Sherloc (09022015). Collection method: clinical testing. Allele origin: germline.
Comment: This variant is also known as p.Arg496Cys or R496C. This sequence change replaces arginine, which is basic and polar, with cysteine, which is neutral and slightly polar, at codon 535 of the GBA protein (p.Arg535Cys). This variant is present in population databases (rs747506979, gnomAD 0.004%). This missense change has been observed in individual(s) with Gaucher disease and/or Parkinson's disease (PMID: 1487244, 24522292, 28727984, 29140481). ClinVar contains an entry for this variant (Variation ID: 242383). Advanced modeling of protein sequence and biophysical properties (such as structural, functional, and spatial information, amino acid conservation, physicochemical variation, residue mobility, and thermodynamic stability) has been performed at Invitae for this missense variant, however the output from this modeling did not meet the statistical confidence thresholds required to predict the impact of this variant on GBA protein function. This variant disrupts the p.Arg535 amino acid residue in GBA. Other variant(s) that disrupt this residue have been determined to be pathogenic (PMID: 16293621, 27735925). This suggests that this residue is clinically significant, and that variants that disrupt this residue are likely to be disease-causing. For these reasons, this variant has been classified as Pathogenic.

Women's Health and Genetics/Laboratory Corporation of America, LabCorp
Classification: Pathogenic for Gaucher disease. Last evaluated: 2020-03-01. Review status: criteria provided, single submitter. Criteria: LabCorp Variant Classification Summary - May 2015. Collection method: clinical testing. Allele origin: germline.
Comment: Variant summary: GBA c.1603C>T (p.Arg535Cys) also widely reported as p.Arg496Cys, results in a non-conservative amino acid change in the encoded protein sequence. Five of five in-silico tools predict a damaging effect of the variant on protein function. The variant allele was found at a frequency of 1.2e-05 in 172274 control chromosomes. c.1603C>T has been well reported in the literature in multiple individuals from diverse ethnicities affected with Gaucher Disease (example, Kawame_1992, Karaca_2012, Ankleshwaria_2014 and Feng_2018). These data indicate that the variant is very likely to be associated with disease. No experimental evidence demonstrating an impact on protein function was ascertained. Although at-least one publication reported its identification in a enzymatically and clinically diagnosed Gaucher disease homozygous individual with no primary data provided (Kawame_1992). One researcher has submitted clinical-significance assessments for this variant to ClinVar after 2014 without evidence for independent evaluation and classified the variant as pathogenic. This submitter cites an overlapping publication utilized in the context of this evaluation. Based on the evidence outlined above, the variant was classified as pathogenic.

Broad Center for Mendelian Genomics, Broad Institute of MIT and Harvard
Classification: Pathogenic for Gaucher disease type I. Last evaluated: 2020-01-22. Review status: criteria provided, single submitter. Criteria: ACMG Guidelines, 2015. Collection method: curation. Allele origin: germline. Inheritance: Autosomal recessive inheritance.
Comment: The p.Arg535Cys variant in GBA has been reported at least 10 individuals with Gaucher disease (PMID: 27865684, 30637984, 30764785) and has been identified in 0.004% (1/24272) of South Asian chromosomes and 0.004% (1/25702) of Latino chromosomes by the Genome Aggregation Database (gnomAD; dbSNP rs747506979). Although this variant has been seen in the general population, its frequency is low enough to be consistent with a recessive carrier frequency. This variant has also been reported in ClinVar (VariationID: 242383) as likely pathogenic by the Institute of Human Genetics. Computational prediction tools and conservation analyses do not provide strong support for or against an impact to the protein. One additional pathogenic variant, resulting in a different amino acid change at the same position, p.Arg535His, has been reported in association with the disease in the literature and ClinVar, supporting that a change at this position may not be tolerated (PMID: 17059888, 24756352, 17427031, 20629126, 7655857, 28947706, 23430543, 8432537; VariationID: 4311). The phenotype of an individual compound heterozygous for this variant is highly specific for Gaucher disease based on the levels of beta-glucosidase detected in the BGL test being significantly below 8.7 nmol/mg/h consistent with disease (PMID: 27865684). Additionally, the homozygous occurrence of this variant in two affected individuals and the presence of this variant in combination with reported pathogenic variants (VariationID: 4288, 4295, 4290; PMID: 30764785, 27865684, 30637984) and in five individuals with Gaucher disease increases the likelihood that the p.Arg535Cys variant is pathogenic. In summary, this variant meets criteria to be classified as pathogenic for Gaucher disease in an autosomal recessive manner based on the detection of the variant in combination with other pathogenic variants in affected individuals, the presence of another pathogenic variant at the same location, and the presence of the variant in an individual with a phenotype specific for the disease. ACMG/AMP Criteria applied: PM3_very-Strong, PM2, PM5, PP4 (Richards, 2015).

Neuberg Centre For Genomic Medicine, NCGM
Classification: Pathogenic for Gaucher disease type II. Review status: criteria provided, single submitter. Criteria: ACMG Guidelines, 2015. Collection method: clinical testing. Allele origin: germline. Inheritance: Autosomal recessive inheritance. Affected: yes.
Comment: The missense c.1603C>T(p.Arg535Cys) variant in GBA gene has been reported previously in homozygous and compound heterozygous states in multiple individuals affected with Gaucher disease (Sheth J, et al., 2019, Leija-Salazar M, et al., 2019; Zampieri S, et al., 2017). The p.Arg535Cys variant is present with allele frequency of 0.001% in gnomAD Exomes. This variant has been reported to the ClinVar database as Likely Pathogenic / Pathogenic (multiple submissions). Multiple lines of computational evidences (Polyphen - Probably damaging, SIFT - Damaging and MutationTaster - Disease causing) predict a damaging effect on protein structure and function for this variant. The reference amino acid at this position on GBA gene is predicted as conserved by GERP++ and PhyloP across 100 vertebrates. The amino acid Arg at position 535 is changed to a Cys changing protein sequence and it might alter its composition and physico-chemical properties. Another missense variant [c.1604G>A (p.Arg535His)] on the same residue of this gene has previously been reported to be disease causing (Yang AC, et al., 2017), suggesting that this residue might be of clinical significance. For these reasons, this variant has been classified as Pathogenic.

Foundation for Research in Genetics and Endocrinology, FRIGE's Institute of Human Genetics
Classification: Likely pathogenic for Gaucher disease type I. Last evaluated: 2016-06-10. Review status: no assertion criteria provided. Collection method: research. Allele origin: unknown. Inheritance: Autosomal recessive inheritance. Affected: yes. Observed: 1 variant allele, 1 compound heterozygote. Not counted in ClinVar's aggregate classification.
Comment: USG abdomen s/o. storage disease; Bone-marrow s/o. Storage disease; Anaemia (Hb: 8.6 g%); Plasma Chitotriosidase: 11755.7 nmol/hr/ml plasma (N.R.: 28.66 - 62.94); Beta-Glucosidase: 1.45 nmol/hr/mg protein (N.R.: 4.0 - 32.0)

Literature cited by the submitters: PubMed 34649574 (cited by Natera, Inc.); PubMed 30764785 (cited by Natera, Inc. and Broad Center for Mendelian Genomics, Broad Institute of MIT and Harvard); PubMed 1487244 (cited by Labcorp Genetics (formerly Invitae), Labcorp and Women's Health and Genetics/Laboratory Corporation of America, LabCorp); PubMed 24522292 (cited by 3 submitters); PubMed 28727984 (cited by Labcorp Genetics (formerly Invitae), Labcorp); PubMed 29140481 (cited by Labcorp Genetics (formerly Invitae), Labcorp); PubMed 16293621 (cited by Labcorp Genetics (formerly Invitae), Labcorp); PubMed 27735925 (cited by Labcorp Genetics (formerly Invitae), Labcorp); PubMed 23426826 (cited by Women's Health and Genetics/Laboratory Corporation of America, LabCorp); PubMed 27865684 (cited by Women's Health and Genetics/Laboratory Corporation of America, LabCorp and Broad Center for Mendelian Genomics, Broad Institute of MIT and Harvard); PubMed 30637984 (cited by Broad Center for Mendelian Genomics, Broad Institute of MIT and Harvard).

NM_000157.4(GBA1):c.1603C>T (p.Arg535Cys)

Genes: GBA1 (glucosylceramidase beta 1; minus strand), LOC106627981 (GBA recombination region; plus strand). Cytogenetic location: 1q22.
Variant type: single nucleotide variant.
Coding change: c.1603C>T on transcript NM_000157.4 (MANE Select); coding-DNA position 1603, C replaced by T.
Protein change: p.Arg535Cys; replaces arginine 535 with cysteine.
Molecular consequence: missense variant.
Genome position (GRCh38, 1-based): chr1:155,235,003, G>A on the plus strand (C>T on the coding strand, the complement: GBA1 is on the minus strand). VCF-style: chr1-155235003-G-A. GRCh37 (hg19) VCF-style: chr1-155204794-G-A.
Other names: R496C; c.1603C>T, p.Arg535Cys (NM_001005741.3, NM_001005742.3); c.1342C>T, p.Arg448Cys (NM_001171811.2); c.1456C>T, p.Arg486Cys (NM_001171812.2); short protein forms R535C, R448C, R486C.
Identifiers: ClinVar variation 242383 (VCV000242383.23), dbSNP rs747506979, ClinGen allele CA1141476.